The following is an entry in ClinVar:

NM_001165963.4(SCN1A):c.3879+5G>T

Genes: SCN1A (sodium voltage-gated channel alpha subunit 1; minus strand), LOC102724058 (uncharacterized LOC102724058; plus strand). Cytogenetic location: 2q24.3.
Variant type: single nucleotide variant.
Coding change: c.3879+5G>T on transcript NM_001165963.4 (MANE Select); 5 bases into the intron after coding-DNA position 3879, G replaced by T.
Molecular consequence: intron variant.
Genome position (GRCh38, 1-based): chr2:166,012,104, C>A on the plus strand (G>T on the coding strand, the complement: SCN1A is on the minus strand). VCF-style: chr2-166012104-C-A. GRCh37 (hg19) VCF-style: chr2-166868614-C-A.
Other names: c.3846+5G>T (NM_001353949.2, NM_001353950.2, NM_001353951.2 and 2 more transcripts); c.3795+5G>T (NM_001353958.2, NM_001353957.2, NM_001165964.3); c.3879+5G>T (NM_001202435.3, NM_001353948.2, NM_001165963.3); c.3843+5G>T (NM_001353955.2, NM_001353954.2); c.3792+5G>T (NM_001353960.2); c.1437+5G>T (NM_001353961.2).
Identifiers: ClinVar variation 946012 (VCV000946012.10), dbSNP rs796052999, ClinGen allele CA1139657299.

ClinVar aggregate classification (germline): Conflicting classifications of pathogenicity. Review status: criteria provided, conflicting classifications (1 of 4 stars). 3 submissions from 3 submitters: Likely pathogenic (1); Uncertain significance (2). Last evaluated 2022-05-18.

Conditions:
Developmental and epileptic encephalopathy. Identifiers: MedGen C5779964, MONDO:0100620.
Severe myoclonic epilepsy in infancy (DRVT). Also called: SEVERE MYOCLONIC EPILEPSY OF INFANCY; DEVELOPMENTAL AND EPILEPTIC ENCEPHALOPATHY 6A; Severe Myoclonic Epilepsy in Infancy (SMEI); Dravet syndrome; Epileptic encephalopathy, early infantile, 6 (Dravet syndrome). Identifiers: Orphanet 33069, MedGen C0751122, MONDO:0100135, OMIM 607208.

Submissions (3):

Labcorp Genetics (formerly Invitae), Labcorp
Classification: Likely pathogenic for Early-infantile DEE. Last evaluated: 2022-05-18. Review status: criteria provided, single submitter. Criteria: Invitae Variant Classification Sherloc (09022015). Collection method: clinical testing. Allele origin: germline.
Comment: In summary, the currently available evidence indicates that the variant is pathogenic, but additional data are needed to prove that conclusively. Therefore, this variant has been classified as Likely Pathogenic. Variants that disrupt the consensus splice site are a relatively common cause of aberrant splicing (PMID: 17576681, 9536098). Algorithms developed to predict the effect of sequence changes on RNA splicing suggest that this variant may disrupt the consensus splice site. ClinVar contains an entry for this variant (Variation ID: 946012). This variant has been observed in individual(s) with Dravet syndrome (PMID: 34338318). In at least one individual the variant was observed to be de novo. This variant is not present in population databases (gnomAD no frequency). This sequence change falls in intron 19 of the SCN1A gene. It does not directly change the encoded amino acid sequence of the SCN1A protein. It affects a nucleotide within the consensus splice site.

Revvity Omics, Revvity
Classification: Uncertain significance. Last evaluated: 2021-10-13. Review status: criteria provided, single submitter. Criteria: ACMG Guidelines, 2015. Collection method: clinical testing. Allele origin: germline.

Neuberg Centre For Genomic Medicine, NCGM
Classification: Uncertain significance for Severe myoclonic epilepsy in infancy. Review status: criteria provided, single submitter. Criteria: ACMG Guidelines, 2015. Collection method: clinical testing. Allele origin: germline. Inheritance: Autosomal dominant inheritance. Affected: yes.
Comment: The splice site variant c.3879+5G>T in SCN1A gene has not been reported previously as a pathogenic variant nor as a benign variant, to our knowledge. This variant has been reported to the ClinVar database as Uncertain_significance. The c.3879+5G>T variant is novel (not in any individuals) in gnomAD Exomes and 1000 Genomes. This variant does not affect an invariant splice nucleotide and hence functional studies will be require to demonstrate exon skipping. For these reasons the variant has been classified as Uncertain Significance.

Literature cited by the submitters: PubMed 17576681 (cited by Labcorp Genetics (formerly Invitae), Labcorp); PubMed 9536098 (cited by Labcorp Genetics (formerly Invitae), Labcorp); PubMed 34338318 (cited by Labcorp Genetics (formerly Invitae), Labcorp).